The following is an entry in ClinVar:

Conditions:
Long QT syndrome 5 (LQT5). Identifiers: Orphanet 101016, Orphanet 768, MedGen C1867904, MONDO:0013372, OMIM 613695.

Submission:

Roden Lab, Vanderbilt University Medical Center
No classification provided (evidence only). Condition: Long QT syndrome 5. Review status: no classification provided. Collection method: in vitro. Allele origin: not applicable. Functional consequence: Effect on ion channel function.
ClinVar note: "not provided" was previously submitted as the classification for the variant. However, the classification appeared to be based only on an observation of functional data so it was converted to no classification on 2025-07-30.

NM_000219.6(KCNE1):c.260G>C (p.Trp87Ser)

Gene: KCNE1 (potassium voltage-gated channel subfamily E regulatory subunit 1; minus strand). Cytogenetic location: 21q22.12.
Variant type: single nucleotide variant.
Coding change: c.260G>C on transcript NM_000219.6 (MANE Select); coding-DNA position 260, G replaced by C.
Protein change: p.Trp87Ser; replaces tryptophan 87 with serine.
Molecular consequence: missense variant.
Genome position (GRCh38, 1-based): chr21:34,449,375, C>G on the plus strand (G>C on the coding strand, the complement: KCNE1 is on the minus strand). VCF-style: chr21-34449375-C-G. GRCh37 (hg19) VCF-style: chr21-35821673-C-G.
Other names: c.260G>C, p.Trp87Ser (NM_001127668.4, NM_001127669.4, NM_001127670.4 and 4 more transcripts); short protein forms W87S.
Identifiers: ClinVar variation 3374466 (VCV003374466.2).